The following is an entry in ClinVar:

NM_003060.4(SLC22A5):c.671A>T (p.Lys224Met)

Gene: SLC22A5 (solute carrier family 22 member 5; plus strand). Cytogenetic location: 5q31.1.
Variant type: single nucleotide variant.
Coding change: c.671A>T on transcript NM_003060.4 (MANE Select); coding-DNA position 671, A replaced by T.
Protein change: p.Lys224Met; replaces lysine 224 with methionine.
Molecular consequence: missense variant.
Genome position (GRCh38, 1-based): chr5:132,385,346, A>T. VCF-style: chr5-132385346-A-T. GRCh37 (hg19) VCF-style: chr5-131721038-A-T.
Other names: c.743A>T, p.Lys248Met (NM_001308122.2); short protein forms K224M, K248M.
Identifiers: ClinVar variation 2007600 (VCV002007600.4), dbSNP rs2532120130, ClinGen allele CA360804977.

ClinVar aggregate classification (germline): Uncertain significance (1 of 4 stars; one submission).

Conditions:
Renal carnitine transport defect (CDSP). Also called: Carnitine transporter deficiency; Carnitine Deficiency, Systemic; Systemic primary carnitine deficiency; CARNITINE DEFICIENCY, SYSTEMIC, DUE TO DEFECT IN RENAL REABSORPTION OF CARNITINE; CARNITINE TRANSPORTER, PLASMA-MEMBRANE, DEFICIENCY OF; CARNITINE UPTAKE DEFECT. Identifiers: Orphanet 158, MedGen C0342788, MONDO:0008919, OMIM 212140.

Submission:

Labcorp Genetics (formerly Invitae), Labcorp
Classification: Uncertain significance for Renal carnitine transport defect. Last evaluated: 2022-06-22. Review status: criteria provided, single submitter. Criteria: Invitae Variant Classification Sherloc (09022015). Collection method: clinical testing. Allele origin: germline.
Comment: In summary, the available evidence is currently insufficient to determine the role of this variant in disease. Therefore, it has been classified as a Variant of Uncertain Significance. Algorithms developed to predict the effect of missense changes on protein structure and function are either unavailable or do not agree on the potential impact of this missense change (SIFT: "Tolerated"; PolyPhen-2: "Probably Damaging"; Align-GVGD: "Class C0"). This variant has not been reported in the literature in individuals affected with SLC22A5-related conditions. This variant is not present in population databases (gnomAD no frequency). This sequence change replaces lysine, which is basic and polar, with methionine, which is neutral and non-polar, at codon 224 of the SLC22A5 protein (p.Lys224Met).